The following is an entry in ClinVar:

NM_001378454.1(ALMS1):c.2015T>G (p.Val672Gly)

Gene: ALMS1 (ALMS1 centrosome and basal body associated protein; plus strand). Cytogenetic location: 2p13.1.
Variant type: single nucleotide variant.
Coding change: c.2015T>G on transcript NM_001378454.1 (MANE Select); coding-DNA position 2015, T replaced by G.
Protein change: p.Val672Gly; replaces valine 672 with glycine.
Molecular consequence: missense variant.
Genome position (GRCh38, 1-based): chr2:73,448,542, T>G. VCF-style: chr2-73448542-T-G. GRCh37 (hg19) VCF-style: chr2-73675669-T-G.
Other names: c.2018T>G, p.Val673Gly (NM_015120.4); short protein forms V673G, V672G.
Identifiers: ClinVar variation 504918 (VCV000504918.30), dbSNP rs2037814, ClinGen allele CA1713258.

ClinVar aggregate classification (germline): Benign. Review status: criteria provided, multiple submitters, no conflicts (2 of 4 stars). 12 submissions from 12 submitters: Benign (7). 5 of the submissions do not count toward it. Last evaluated 2026-02-04.

Conditions:
Cardiovascular phenotype. Identifiers: MedGen CN230736.
Alstrom syndrome (ALMS). Identifiers: Orphanet 64, MedGen C0268425, MONDO:0008763, OMIM 203800.

Allele frequency attached by ClinVar (database versions not stated): gnomAD exomes 0.86159 and 0.86521; ExAC 0.86273; 1000 Genomes Project 0.87220; gnomAD 0.87511 and 0.87820; 1000 Genomes Project 30x 0.87695; ESP Exome Variant Server 0.88057; TOPMed 0.88200.
gnomAD v4.1: 1,392,871 of 1,613,818 alleles (86%); highest among the groups gnomAD compares: Admixed American, 94%; 601,917 homozygotes.

Submissions (12):

Labcorp Genetics (formerly Invitae), Labcorp
Classification: Benign for Alstrom syndrome. Last evaluated: 2026-02-04. Review status: criteria provided, single submitter. Criteria: Invitae Variant Classification Sherloc (09022015). Collection method: clinical testing. Allele origin: germline.

Blueprint Genetics
Classification: Benign. Last evaluated: 2024-11-26. Review status: criteria provided, single submitter. Criteria: ACMG Guidelines, 2015. Collection method: clinical testing. Allele origin: germline.

Genome-Nilou Lab
Classification: Benign for Alstrom syndrome. Last evaluated: 2021-07-14. Review status: criteria provided, single submitter. Criteria: ACMG Guidelines, 2015. Collection method: clinical testing. Allele origin: germline. Affected: no.

Ambry Genetics
Classification: Benign for Cardiovascular phenotype. Last evaluated: 2018-12-21. Review status: criteria provided, single submitter. Criteria: Ambry Variant Classification Scheme 2023. Collection method: clinical testing. Allele origin: germline.

GeneDx
Classification: Benign. Last evaluated: 2017-11-03. Review status: criteria provided, single submitter. Criteria: GeneDx Variant Classification (06012015). Collection method: clinical testing. Allele origin: germline. Affected: yes.
Comment: This variant is considered likely benign or benign based on one or more of the following criteria: it is a conservative change, it occurs at a poorly conserved position in the protein, it is predicted to be benign by multiple in silico algorithms, and/or has population frequency not consistent with disease.

Laboratory for Molecular Medicine, Mass General Brigham Personalized Medicine
Classification: Benign. Last evaluated: 2016-03-21. Review status: criteria provided, single submitter. Criteria: LMM Criteria. Collection method: clinical testing. Allele origin: germline. Observed: 262 variant alleles.
Comment: p.Val671Gly in exon 8 of ALMS1: This variant is not expected to have clinical si gnificance because it has been identified in 94.88% (10945/11536) of Latino chro mosomes by the Exome Aggregation Consortium (ExAC, g; dbSNP rs2037814).

Breakthrough Genomics
Classification: Benign. Review status: criteria provided, single submitter. Criteria: ACMG Guidelines, 2015. Collection method: not provided. Allele origin: germline. Inheritance: Autosomal recessive inheritance. Affected: yes.

Natera, Inc.
Classification: Benign for Alstrom syndrome. Last evaluated: 2020-09-16. Review status: no assertion criteria provided. Collection method: clinical testing. Allele origin: germline. Not counted in ClinVar's aggregate classification.

Clinical Genetics, Academic Medical Center
Classification: Benign. Review status: no assertion criteria provided. Collection method: clinical testing. Allele origin: germline. Affected: yes. Study: VKGL Data-share Consensus. Not counted in ClinVar's aggregate classification.

Diagnostic Laboratory, Department of Genetics, University Medical Center Groningen
Classification: Benign. Review status: no assertion criteria provided. Collection method: clinical testing. Allele origin: germline. Affected: yes. Study: VKGL Data-share Consensus. Not counted in ClinVar's aggregate classification.

Genome Diagnostics Laboratory, University Medical Center Utrecht
Classification: Benign. Review status: no assertion criteria provided. Collection method: clinical testing. Allele origin: germline. Affected: yes. Study: VKGL Data-share Consensus. Not counted in ClinVar's aggregate classification.

Joint Genome Diagnostic Labs from Nijmegen and Maastricht, Radboudumc and MUMC+
Classification: Benign. Review status: no assertion criteria provided. Collection method: clinical testing. Allele origin: germline. Affected: yes. Study: VKGL Data-share Consensus. Not counted in ClinVar's aggregate classification.